The following is an entry in ClinVar:

NM_007294.4(BRCA1):c.593+6T>G

Gene: BRCA1 (BRCA1 DNA repair associated; minus strand). Cytogenetic location: 17q21.31.
Variant type: single nucleotide variant.
Coding change: c.593+6T>G on transcript NM_007294.4 (MANE Select); 6 bases into the intron after coding-DNA position 593, T replaced by G.
Molecular consequence: intron variant.
Genome position (GRCh38, 1-based): chr17:43,097,238, A>C on the plus strand (T>G on the coding strand, the complement: BRCA1 is on the minus strand). VCF-style: chr17-43097238-A-C. GRCh37 (hg19) VCF-style: chr17-41249255-A-C.
Other names: c.452+6T>G (NM_001408458.1, NM_001408469.1, NM_001408453.1 and 43 more transcripts); c.-218-2378T>G (NM_001407967.1, NM_001407966.1); c.212+6T>G (NM_001407959.1, NM_001408510.1, NM_001407963.1 and 1 more transcripts); c.404-2378T>G (NM_001407931.1, NM_001407932.1, NM_001408503.1 and 5 more transcripts); c.449+6T>G (NM_001407747.1, NM_001408470.1, NM_001407848.1 and 26 more transcripts); c.209+6T>G (NM_001407962.1); c.167-2378T>G (NM_001408512.1, NM_001407965.1); c.383+6T>G (NM_001407885.1, NM_001407886.1, NM_001407881.1 and 27 more transcripts); and 17 more.
Identifiers: ClinVar variation 3006968 (VCV003006968.3), dbSNP rs2154520949, ClinGen allele CA2638064962.

ClinVar aggregate classification (germline): Uncertain significance (1 of 4 stars; one submission).

Conditions:
Hereditary breast ovarian cancer syndrome. Also called: BRCA1- and BRCA2-Associated Hereditary Breast and Ovarian Cancer; Hereditary breast and ovarian cancer syndrome (HBOC); Hereditary breast and/or ovarian cancer syndrome; Hereditary breast and ovarian cancer syndrome; Breast and ovarian cancer; Hereditary breast and ovarian cancer. Identifiers: Orphanet 145, MedGen C0677776, MeSH D061325, MONDO:0003582. Disease mechanism: loss of function.

Allele frequency attached by ClinVar (database versions not stated): gnomAD exomes below 0.00001.
gnomAD v4.1: 2 of 1,613,196 alleles (0.00012%); highest among the groups gnomAD compares: Non-Finnish European, 0.00017%; no homozygotes.

Submission:

Labcorp Genetics (formerly Invitae), Labcorp
Classification: Uncertain significance for Hereditary breast ovarian cancer syndrome. Last evaluated: 2025-01-02. Review status: criteria provided, single submitter. Criteria: Invitae Variant Classification Sherloc (09022015). Collection method: clinical testing. Allele origin: germline.
Comment: This sequence change falls in intron 8 of the BRCA1 gene. It does not directly change the encoded amino acid sequence of the BRCA1 protein. It affects a nucleotide within the consensus splice site. This variant is not present in population databases (gnomAD no frequency). This variant has not been reported in the literature in individuals affected with BRCA1-related conditions. ClinVar contains an entry for this variant (Variation ID: 3006968). Variants that disrupt the consensus splice site are a relatively common cause of aberrant splicing (PMID: 17576681, 9536098). Algorithms developed to predict the effect of sequence changes on RNA splicing suggest that this variant may disrupt the consensus splice site. In summary, the available evidence is currently insufficient to determine the role of this variant in disease. Therefore, it has been classified as a Variant of Uncertain Significance.

Literature cited by the submitters: PubMed 17576681; PubMed 9536098.